The following is an entry in ClinVar:

NM_001415.4(EIF2S3):c.328C>T (p.Pro110Ser)

Gene: EIF2S3 (eukaryotic translation initiation factor 2 subunit gamma; plus strand). Cytogenetic location: Xp22.11.
Variant type: single nucleotide variant.
Coding change: c.328C>T on transcript NM_001415.4 (MANE Select); coding-DNA position 328, C replaced by T.
Protein change: p.Pro110Ser; replaces proline 110 with serine.
Molecular consequence: missense variant.
Genome position (GRCh38, 1-based): chrX:24,057,699, C>T. VCF-style: chrX-24057699-C-T. GRCh37 (hg19) VCF-style: chrX-24075816-C-T.
Other names: short protein forms P110S.
Identifiers: ClinVar variation 5017487 (VCV005017487.1).

ClinVar aggregate classification (germline): Uncertain significance (1 of 4 stars; one submission).

Submission:

GeneDx
Classification: Uncertain significance. Last evaluated: 2026-03-27. Review status: criteria provided, single submitter. Criteria: GeneDx Variant Classification Process June 2021. Collection method: clinical testing. Allele origin: germline.
Comment: In silico analysis suggests that this missense variant does not alter protein structure/function; Has not been previously published as pathogenic or benign to our knowledge